The following is an entry in ClinVar:

ClinVar aggregate classification (germline): Uncertain significance (1 of 4 stars; one submission).

Conditions:
Immunodeficiency. Identifiers: MedGen C0021051, MONDO:0021094, HP:0002721.

Allele frequency attached by ClinVar (database versions not stated): gnomAD exomes below 0.00001; ExAC 0.00001; gnomAD 0.00001; TOPMed 0.00001.

Submission:

Labcorp Genetics (formerly Invitae), Labcorp
Classification: Uncertain significance for Immunodeficiency. Last evaluated: 2022-10-13. Review status: criteria provided, single submitter. Criteria: Invitae Variant Classification Sherloc (09022015). Collection method: clinical testing. Allele origin: germline.
Comment: This sequence change replaces methionine, which is neutral and non-polar, with valine, which is neutral and non-polar, at codon 905 of the NFAT5 protein (p.Met905Val). This variant is present in population databases (rs748586977, gnomAD 0.0009%). This variant has not been reported in the literature in individuals affected with NFAT5-related conditions. Algorithms developed to predict the effect of missense changes on protein structure and function (SIFT, PolyPhen-2, Align-GVGD) all suggest that this variant is likely to be tolerated. In summary, the available evidence is currently insufficient to determine the role of this variant in disease. Therefore, it has been classified as a Variant of Uncertain Significance.

NM_138713.4(NFAT5):c.2995A>G (p.Met999Val)

Gene: NFAT5 (nuclear factor of activated T cells 5; plus strand). Cytogenetic location: 16q22.1.
Variant type: single nucleotide variant.
Coding change: c.2995A>G on transcript NM_138713.4 (MANE Select); coding-DNA position 2995, A replaced by G.
Protein change: p.Met999Val; replaces methionine 999 with valine.
Molecular consequence: missense variant.
Genome position (GRCh38, 1-based): chr16:69,692,820, A>G. VCF-style: chr16-69692820-A-G. GRCh37 (hg19) VCF-style: chr16-69726723-A-G.
Other names: c.2992A>G, p.Met998Val (NM_001113178.3); c.2320A>G, p.Met774Val (NM_001367709.1); c.2941A>G, p.Met981Val (NM_006599.4); c.2713A>G, p.Met905Val (NM_138714.4, NM_173214.3, NM_173215.3); short protein forms M774V, M981V, M905V, M998V, M999V.
Identifiers: ClinVar variation 2097465 (VCV002097465.4), dbSNP rs748586977, ClinGen allele CA8135833.